The following is an entry in ClinVar:

NM_000245.4(MET):c.1863A>G (p.Thr621=)

Gene: MET (MET proto-oncogene, receptor tyrosine kinase; plus strand). Cytogenetic location: 7q31.2.
Variant type: single nucleotide variant.
Coding change: c.1863A>G on transcript NM_000245.4 (MANE Select); coding-DNA position 1863, A replaced by G.
Protein change: p.Thr621=; no amino-acid change (threonine 621 retained).
Molecular consequence: synonymous variant.
Genome position (GRCh38, 1-based): chr7:116,757,437, A>G. VCF-style: chr7-116757437-A-G. GRCh37 (hg19) VCF-style: chr7-116397491-A-G.
Other names: c.1863A>G, p.Thr621= (NM_001127500.3, NM_001324401.3); c.573A>G, p.Thr191= (NM_001324402.2).
Identifiers: ClinVar variation 958563 (VCV000958563.11), dbSNP rs1794219866, ClinGen allele CA457216387.
Genomic context (GRCh38, chr7:116,757,437, plus strand): 5'-CAACCTAACCAGAAAATTCCTTGGATTTGTCATGTATTAAACTTTGGGTTTTTTTTCCAG[A>G]TTGAAATGCACAGTTGGTCCTGCCATGAATAAGCATTTCAATATGTCCATAATTATTTCA-3'
Protein context (NP_000236.2, residues 611-631): TLTLSESTMN[Thr621=]LKCTVGPAMN

ClinVar aggregate classification (germline): Conflicting classifications of pathogenicity. Review status: criteria provided, conflicting classifications (1 of 4 stars). 2 submissions from 2 submitters: Uncertain significance (1); Likely benign (1). Last evaluated 2022-11-07.

Conditions:
Renal cell carcinoma. Identifiers: Orphanet 217071, MedGen C0007134, MeSH D002292, MONDO:0005086, HP:0005584.
Hereditary cancer-predisposing syndrome. Also called: Tumor predisposition; Hereditary neoplastic syndrome; Neoplastic Syndromes, Hereditary; Hereditary Cancer Syndrome. Identifiers: Orphanet 140162, MedGen C0027672, MeSH D009386, MONDO:0015356.

Submissions (2):

Ambry Genetics
Classification: Likely benign for Hereditary cancer-predisposing syndrome. Last evaluated: 2022-11-07. Review status: criteria provided, single submitter. Criteria: Ambry Variant Classification Scheme 2023. Collection method: clinical testing. Allele origin: germline.

Labcorp Genetics (formerly Invitae), Labcorp
Classification: Uncertain significance for Renal cell carcinoma. Last evaluated: 2019-11-08. Review status: criteria provided, single submitter. Criteria: Invitae Variant Classification Sherloc (09022015). Collection method: clinical testing. Allele origin: germline.
Comment: In summary, the available evidence is currently insufficient to determine the role of this variant in disease. Therefore, it has been classified as a Variant of Uncertain Significance. Algorithms developed to predict the effect of sequence changes on RNA splicing suggest that this variant may create or strengthen a splice site, but this prediction has not been confirmed by published transcriptional studies. This variant has not been reported in the literature in individuals with MET-related conditions. This variant is not present in population databases (ExAC no frequency). This sequence change affects codon 621 of the MET mRNA. It is a 'silent' change, meaning that it does not change the encoded amino acid sequence of the MET protein.